The following is an entry in ClinVar:

ClinVar aggregate classification (germline): Uncertain significance (1 of 4 stars; one submission).

Conditions:
Hereditary cancer-predisposing syndrome. Also called: Hereditary Cancer Syndrome; Hereditary neoplastic syndrome; Neoplastic Syndromes, Hereditary; Tumor predisposition. Identifiers: Orphanet 140162, MedGen C0027672, MeSH D009386, MONDO:0015356.

Submission:

Ambry Genetics
Classification: Uncertain significance for Hereditary cancer-predisposing syndrome. Last evaluated: 2025-08-05. Review status: criteria provided, single submitter. Criteria: Ambry Variant Classification Scheme 2023. Collection method: clinical testing. Allele origin: germline.
Comment: The p.V154L variant (also known as c.460G>C), located in coding exon 4 of the DICER1 gene, results from a G to C substitution at nucleotide position 460. The valine at codon 154 is replaced by leucine, an amino acid with highly similar properties. This amino acid position is conserved. In addition, this alteration is predicted to be tolerated by in silico analysis. Based on the available evidence, the clinical significance of this variant remains unclear.

NM_177438.3(DICER1):c.460G>C (p.Val154Leu)

Gene: DICER1 (dicer 1, ribonuclease III; minus strand). Cytogenetic location: 14q32.13.
Variant type: single nucleotide variant.
Coding change: c.460G>C on transcript NM_177438.3 (MANE Select); coding-DNA position 460, G replaced by C.
Protein change: p.Val154Leu; replaces valine 154 with leucine.
Molecular consequence: missense variant. On other transcripts: 5 prime UTR variant (1), non-coding transcript variant (6), intron variant (1).
Genome position (GRCh38, 1-based): chr14:95,130,171, C>G on the plus strand (G>C on the coding strand, the complement: DICER1 is on the minus strand). VCF-style: chr14-95130171-C-G. GRCh37 (hg19) VCF-style: chr14-95596508-C-G.
Other names: c.460G>C, p.Val154Leu (NM_001195573.1, NM_001271282.3, NM_001291628.2 and 14 more transcripts); c.178G>C, p.Val60Leu (NM_001395686.1); c.55G>C, p.Val19Leu (NM_001395687.1, NM_001395688.1, NM_001395689.1 and 3 more transcripts); c.-1109G>C (NM_001395697.1); c.-20-88G>C (NM_001395691.1); short protein forms V19L, V60L, V154L.
Identifiers: ClinVar variation 4240518 (VCV004240518.1).